The following is an entry in ClinVar:

NM_005559.4(LAMA1):c.1418G>C (p.Cys473Ser)

Gene: LAMA1 (laminin subunit alpha 1; minus strand). Cytogenetic location: 18p11.31.
Variant type: single nucleotide variant.
Coding change: c.1418G>C on transcript NM_005559.4 (MANE Select); coding-DNA position 1418, G replaced by C.
Protein change: p.Cys473Ser; replaces cysteine 473 with serine.
Molecular consequence: missense variant.
Genome position (GRCh38, 1-based): chr18:7,040,080, C>G on the plus strand (G>C on the coding strand, the complement: LAMA1 is on the minus strand). VCF-style: chr18-7040080-C-G. GRCh37 (hg19) VCF-style: chr18-7040079-C-G.
Other names: short protein forms C473S.
Identifiers: ClinVar variation 1696953 (VCV001696953.7), dbSNP rs773625934, ClinGen allele CA401834531.

ClinVar aggregate classification (germline): Uncertain significance. Review status: criteria provided, multiple submitters, no conflicts (2 of 4 stars). 2 submissions from 2 submitters: Uncertain significance (2). Last evaluated 2022-02-23.

Submissions (2):

Labcorp Genetics (formerly Invitae), Labcorp
Classification: Uncertain significance. Last evaluated: 2022-02-23. Review status: criteria provided, single submitter. Criteria: Invitae Variant Classification Sherloc (09022015). Collection method: clinical testing. Allele origin: germline.
Comment: In summary, the available evidence is currently insufficient to determine the role of this variant in disease. Therefore, it has been classified as a Variant of Uncertain Significance. Algorithms developed to predict the effect of missense changes on protein structure and function (SIFT, PolyPhen-2, Align-GVGD) all suggest that this variant is likely to be disruptive. This variant has not been reported in the literature in individuals affected with LAMA1-related conditions. This variant is not present in population databases (gnomAD no frequency). This sequence change replaces cysteine, which is neutral and slightly polar, with serine, which is neutral and polar, at codon 473 of the LAMA1 protein (p.Cys473Ser).

GeneDx
Classification: Uncertain significance. Last evaluated: 2022-01-05. Review status: criteria provided, single submitter. Criteria: GeneDx Variant Classification Process June 2021. Collection method: clinical testing. Allele origin: germline. Affected: yes.
Comment: Not observed at significant frequency in large population cohorts (gnomAD); In silico analysis supports that this missense variant has a deleterious effect on protein structure/function; Has not been previously published as pathogenic or benign to our knowledge